The following is an entry in ClinVar:

NM_020738.4(KIDINS220):c.4786A>G (p.Asn1596Asp)

Gene: KIDINS220 (kinase D interacting substrate 220; minus strand). Cytogenetic location: 2p25.1.
Variant type: single nucleotide variant.
Coding change: c.4786A>G on transcript NM_020738.4 (MANE Select); coding-DNA position 4786, A replaced by G.
Protein change: p.Asn1596Asp; replaces asparagine 1596 with aspartic acid.
Molecular consequence: missense variant. On other transcripts: intron variant (6).
Genome position (GRCh38, 1-based): chr2:8,731,250, T>C on the plus strand (A>G on the coding strand, the complement: KIDINS220 is on the minus strand). VCF-style: chr2-8731250-T-C. GRCh37 (hg19) VCF-style: chr2-8871380-T-C.
Other names: c.4789A>G, p.Asn1597Asp (NM_001348729.2); c.4732A>G, p.Asn1578Asp (NM_001348731.2); c.4729A>G, p.Asn1577Asp (NM_001348732.2); c.4618A>G, p.Asn1540Asp (NM_001348734.2); c.4615A>G, p.Asn1539Asp (NM_001348735.2); c.4489A>G, p.Asn1497Asp (NM_001348736.2); c.3882+2194A>G (NM_001348741.2, NM_001348742.2, NM_001348743.2); c.3996+2194A>G (NM_001348738.2); and 1 more; short protein forms N1497D, N1539D, N1540D, N1577D, N1578D, N1596D, N1597D.
Identifiers: ClinVar variation 3369484 (VCV003369484.1).

ClinVar aggregate classification (germline): Uncertain significance (1 of 4 stars; one submission).

gnomAD v4.1: 6 of 1,614,146 alleles (0.00037%); highest among the groups gnomAD compares: East Asian, 0.0022%; no homozygotes.

Submission:

GeneDx
Classification: Uncertain significance. Last evaluated: 2024-02-20. Review status: criteria provided, single submitter. Criteria: GeneDx Variant Classification Process June 2021. Collection method: clinical testing. Allele origin: germline. Affected: yes.
Comment: Not observed at significant frequency in large population cohorts (gnomAD); In silico analysis supports that this missense variant does not alter protein structure/function; Has not been previously published as pathogenic or benign to our knowledge